The following is an entry in ClinVar:

ClinVar aggregate classification (germline): Uncertain significance (1 of 4 stars; one submission).

Submission:

Labcorp Genetics (formerly Invitae), Labcorp
Classification: Uncertain significance. Last evaluated: 2022-12-12. Review status: criteria provided, single submitter. Criteria: Invitae Variant Classification Sherloc (09022015). Collection method: clinical testing. Allele origin: germline.
Comment: This variant is not present in population databases (gnomAD no frequency). This sequence change replaces tryptophan, which is neutral and slightly polar, with cysteine, which is neutral and slightly polar, at codon 301 of the ACAN protein (p.Trp301Cys). This missense change has been observed in individuals with clinical features of autosomal dominant ACAN-related conditions (PMID: 27870580, 29464738). It has also been observed to segregate with disease in related individuals. Advanced modeling of protein sequence and biophysical properties (such as structural, functional, and spatial information, amino acid conservation, physicochemical variation, residue mobility, and thermodynamic stability) performed at Invitae indicates that this missense variant is not expected to disrupt ACAN protein function. In summary, the available evidence is currently insufficient to determine the role of this variant in disease. Therefore, it has been classified as a Variant of Uncertain Significance.

Literature cited by the submitters: PubMed 27870580; PubMed 29464738.

NM_001369268.1(ACAN):c.903G>C (p.Trp301Cys)

Gene: ACAN (aggrecan; plus strand). Cytogenetic location: 15q26.1.
Variant type: single nucleotide variant.
Coding change: c.903G>C on transcript NM_001369268.1 (MANE Select); coding-DNA position 903, G replaced by C.
Protein change: p.Trp301Cys; replaces tryptophan 301 with cysteine.
Molecular consequence: missense variant.
Genome position (GRCh38, 1-based): chr15:88,843,500, G>C. VCF-style: chr15-88843500-G-C. GRCh37 (hg19) VCF-style: chr15-89386731-G-C.
Other names: c.903G>C, p.Trp301Cys (NM_001135.4, NM_001411096.1, NM_001411097.1 and 1 more transcripts); short protein forms W301C.
Identifiers: ClinVar variation 2736245 (VCV002736245.3), dbSNP rs2505251036, ClinGen allele CA393707795.